The following is an entry in ClinVar:

NM_017950.4(CCDC40):c.2226C>T (p.Ser742=)

Gene: CCDC40 (coiled-coil domain 40 molecular ruler complex subunit; plus strand). Cytogenetic location: 17q25.3.
Variant type: single nucleotide variant.
Coding change: c.2226C>T on transcript NM_017950.4 (MANE Select); coding-DNA position 2226, C replaced by T.
Protein change: p.Ser742=; no amino-acid change (serine 742 retained).
Molecular consequence: synonymous variant.
Genome position (GRCh38, 1-based): chr17:80,084,979, C>T. VCF-style: chr17-80084979-C-T. GRCh37 (hg19) VCF-style: chr17-78058778-C-T.
Other names: c.2226C>T, p.Ser742= (NM_001243342.2).
Identifiers: ClinVar variation 215898 (VCV000215898.26), dbSNP rs72849355, ClinGen allele CA337218.
Genomic context (GRCh38, chr17:80,084,979, plus strand): 5'-GATCGAGAGGAAGCAAGGGCTCATCAACTTCCTCAACAAGCAGCTGGAGCGGATGGTCTC[C>T]GAGCTGGGGGTGAGGTCCCAGGCAGGGAGACGTGGTCCCCGGCTGACTGTGGTGCCTGGT-3'
Protein context (NP_060420.2, residues 732-752): FLNKQLERMV[Ser742=]ELGGEEVGPL

ClinVar aggregate classification (germline): Conflicting classifications of pathogenicity. Review status: criteria provided, conflicting classifications (1 of 4 stars). 5 submissions from 5 submitters: Uncertain significance (1); Likely benign (4). Last evaluated 2026-01-17.

Conditions:
Primary ciliary dyskinesia 15. Also called: CILIARY DYSKINESIA, PRIMARY, 15, WITH OR WITHOUT SITUS INVERSUS. Identifiers: Orphanet 244, MedGen C3151137, MONDO:0013435, OMIM 613808.
Primary ciliary dyskinesia. Also called: Ciliary dyskinesia. Identifiers: Orphanet 244, MedGen C0008780, MONDO:0016575, HP:0012265.

Allele frequency attached by ClinVar (database versions not stated): 1000 Genomes Project 0.00040; ESP Exome Variant Server 0.00048; TOPMed 0.00049; ExAC 0.00052; gnomAD 0.00054; gnomAD exomes 0.00054 and 0.00074; 1000 Genomes Project 30x 0.00062.
gnomAD v4.1: 1,151 of 1,613,640 alleles (0.071%); highest among the groups gnomAD compares: Middle Eastern, 0.099%; 1 homozygote.

Submissions (5):

Labcorp Genetics (formerly Invitae), Labcorp
Classification: Likely benign for Primary ciliary dyskinesia. Last evaluated: 2026-01-17. Review status: criteria provided, single submitter. Criteria: Invitae Variant Classification Sherloc (09022015). Collection method: clinical testing. Allele origin: germline.

CeGaT Center for Human Genetics Tuebingen
Classification: Likely benign. Last evaluated: 2025-04-01. Review status: criteria provided, single submitter. Criteria: CeGaT Center For Human Genetics Tuebingen Variant Classification Criteria Version 2. Collection method: clinical testing. Allele origin: germline. Affected: yes. Observed: 1 variant allele.
Comment: CCDC40: BP4, BP7

Blueprint Genetics
Classification: Likely benign. Last evaluated: 2024-11-26. Review status: criteria provided, single submitter. Criteria: ACMG Guidelines, 2015. Collection method: clinical testing. Allele origin: germline.

Ambry Genetics
Classification: Likely benign for Primary ciliary dyskinesia. Last evaluated: 2018-05-02. Review status: criteria provided, single submitter. Criteria: Ambry Variant Classification Scheme 2023. Collection method: clinical testing. Allele origin: germline.

Illumina Laboratory Services, Illumina
Classification: Uncertain significance for Primary ciliary dyskinesia 15. Last evaluated: 2018-01-13. Review status: criteria provided, single submitter. Criteria: ICSL Variant Classification Criteria 13 December 2019. Collection method: clinical testing. Allele origin: germline.